The following is an entry in ClinVar:

ClinVar aggregate classification (germline): Uncertain significance (1 of 4 stars; one submission).

Conditions:
Duchenne muscular dystrophy (DMD). Also called: MUSCULAR DYSTROPHY, PSEUDOHYPERTROPHIC PROGRESSIVE, DUCHENNE TYPE; Duchenne Muscular Dystrophy (DMD). Identifiers: Orphanet 98896, MedGen C0013264, MONDO:0010679, OMIM 310200.

gnomAD v4.1: 1 of 1,209,326 alleles (0.000083%); highest among the groups gnomAD compares: Non-Finnish European, 0.00011%; no homozygotes.

Submission:

Labcorp Genetics (formerly Invitae), Labcorp
Classification: Uncertain significance for Duchenne muscular dystrophy. Last evaluated: 2025-09-10. Review status: criteria provided, single submitter. Criteria: Invitae Variant Classification Sherloc (09022015). Collection method: clinical testing. Allele origin: germline.
Comment: This sequence change replaces threonine, which is neutral and polar, with lysine, which is basic and polar, at codon 2874 of the DMD protein (p.Thr2874Lys). This variant is not present in population databases (gnomAD no frequency). This variant has not been reported in the literature in individuals affected with DMD-related conditions. Invitae Evidence Modeling of protein sequence and biophysical properties (such as structural, functional, and spatial information, amino acid conservation, physicochemical variation, residue mobility, and thermodynamic stability) indicates that this missense variant is not expected to disrupt DMD protein function with a negative predictive value of 95%. In summary, the available evidence is currently insufficient to determine the role of this variant in disease. Therefore, it has been classified as a Variant of Uncertain Significance.

NM_004006.3(DMD):c.8621C>A (p.Thr2874Lys)

Gene: DMD (dystrophin; minus strand). Cytogenetic location: Xp21.2.
Variant type: single nucleotide variant.
Coding change: c.8621C>A on transcript NM_004006.3 (MANE Select); coding-DNA position 8621, C replaced by A.
Protein change: p.Thr2874Lys; replaces threonine 2874 with lysine.
Molecular consequence: missense variant.
Genome position (GRCh38, 1-based): chrX:31,479,030, G>T on the plus strand (C>A on the coding strand, the complement: DMD is on the minus strand). VCF-style: chrX-31479030-G-T. GRCh37 (hg19) VCF-style: chrX-31497147-G-T.
Other names: c.8597C>A, p.Thr2866Lys (NM_000109.4); c.8609C>A, p.Thr2870Lys (NM_004009.3); c.8252C>A, p.Thr2751Lys (NM_004010.3); c.4598C>A, p.Thr1533Lys (NM_004011.4); c.4589C>A, p.Thr1530Lys (NM_004012.4); c.1241C>A, p.Thr414Lys (NM_004013.3, NM_004020.4, NM_004021.3 and 2 more transcripts); c.434C>A, p.Thr145Lys (NM_004014.3); short protein forms T145K, T1533K, T2870K, T2874K, T1530K, T2751K, T2866K, T414K.
Identifiers: ClinVar variation 4777825 (VCV004777825.1).